The following is an entry in ClinVar:

NM_001080508.3(TBX18):c.658C>A (p.Pro220Thr)

Gene: TBX18 (T-box transcription factor 18; minus strand). Cytogenetic location: 6q14.3.
Variant type: single nucleotide variant.
Coding change: c.658C>A on transcript NM_001080508.3 (MANE Select); coding-DNA position 658, C replaced by A.
Protein change: p.Pro220Thr; replaces proline 220 with threonine.
Molecular consequence: missense variant.
Genome position (GRCh38, 1-based): chr6:84,756,811, G>T on the plus strand (C>A on the coding strand, the complement: TBX18 is on the minus strand). VCF-style: chr6-84756811-G-T. GRCh37 (hg19) VCF-style: chr6-85466529-G-T.
Other names: c.658C>A (NM_001080508.1); short protein forms P220T.
Identifiers: ClinVar variation 1395553 (VCV001395553.8), dbSNP rs769177001, ClinGen allele CA3911029.

ClinVar aggregate classification (germline): Uncertain significance. Review status: criteria provided, multiple submitters, no conflicts (2 of 4 stars). 2 submissions from 2 submitters: Uncertain significance (2). Last evaluated 2025-02-07.

Conditions:
Inborn genetic diseases. Identifiers: MedGen C0950123, MeSH D030342.

Allele frequency attached by ClinVar (database versions not stated): ExAC 0.00003.
gnomAD v4.1: 8 of 1,614,100 alleles (0.0005%); highest among the groups gnomAD compares: Admixed American, 0.013%; no homozygotes.

Submissions (2):

Ambry Genetics
Classification: Uncertain significance for Inborn genetic diseases. Last evaluated: 2025-02-07. Review status: criteria provided, single submitter. Criteria: Ambry Variant Classification Scheme 2023. Collection method: clinical testing. Allele origin: germline.

Labcorp Genetics (formerly Invitae), Labcorp
Classification: Uncertain significance. Last evaluated: 2021-11-03. Review status: criteria provided, single submitter. Criteria: Invitae Variant Classification Sherloc (09022015). Collection method: clinical testing. Allele origin: germline.
Comment: This sequence change replaces proline, which is neutral and non-polar, with threonine, which is neutral and polar, at codon 220 of the TBX18 protein (p.Pro220Thr). This variant is present in population databases (rs769177001, gnomAD 0.01%). This variant has not been reported in the literature in individuals affected with TBX18-related conditions. Algorithms developed to predict the effect of missense changes on protein structure and function (SIFT, PolyPhen-2, Align-GVGD) all suggest that this variant is likely to be disruptive. In summary, the available evidence is currently insufficient to determine the role of this variant in disease. Therefore, it has been classified as a Variant of Uncertain Significance.